The following is an entry in ClinVar:

ClinVar aggregate classification (germline): Benign/Likely benign. Review status: criteria provided, multiple submitters, no conflicts (2 of 4 stars). 6 submissions from 6 submitters: Benign (5); Likely benign (1). Last evaluated 2026-01-28.

Conditions:
CEP104-related disorder. Also called: CEP104-related condition.
Joubert syndrome 25 (JBTS25). Identifiers: Orphanet 475, MedGen C4084842, MONDO:0014770, OMIM 616781.

Allele frequency attached by ClinVar (database versions not stated): ExAC 0.00153; 1000 Genomes Project 0.00479; TOPMed 0.00507; 1000 Genomes Project 30x 0.00531; ESP Exome Variant Server 0.00546.

Submissions (6):

Labcorp Genetics (formerly Invitae), Labcorp
Classification: Benign for Joubert syndrome 25. Last evaluated: 2026-01-28. Review status: criteria provided, single submitter. Criteria: Invitae Variant Classification Sherloc (09022015). Collection method: clinical testing. Allele origin: germline.

PreventionGenetics, part of Exact Sciences
Classification: Benign for CEP104-related condition. Last evaluated: 2025-01-08. Review status: criteria provided, single submitter. Criteria: ACMG Guidelines, 2015. Collection method: clinical testing. Allele origin: germline.
Comment: This variant is classified as benign based on ACMG/AMP sequence variant interpretation guidelines (Richards et al. 2015 PMID: 25741868, with internal and published modifications).

Blueprint Genetics
Classification: Likely benign. Last evaluated: 2024-11-04. Review status: criteria provided, single submitter. Criteria: ACMG Guidelines, 2015. Collection method: clinical testing. Allele origin: germline.

Women's Health and Genetics/Laboratory Corporation of America, LabCorp
Classification: Benign. Last evaluated: 2021-12-20. Review status: criteria provided, single submitter. Criteria: LabCorp Variant Classification Summary - May 2015. Collection method: clinical testing. Allele origin: germline.
Comment: Variant summary: CEP104 c.1083G>A results in a synonymous change. 4/4 computational tools predict no significant impact on normal splicing. However, these predictions have yet to be confirmed by functional studies. The variant allele was found at a frequency of 0.0013 in 251038 control chromosomes, predominantly at a frequency of 0.017 within the African or African-American subpopulation in the gnomAD database, including 1 homozygotes. The observed variant frequency within African or African-American control individuals in the gnomAD database is approximately 43.007 fold of the estimated maximal expected allele frequency for a pathogenic variant in CEP104 causing Joubert Syndrome And Related Disorders phenotype (0.0004), strongly suggesting that the variant is a benign polymorphism found primarily in populations of African or African-American origin. One clinical diagnostic laboratory has submitted clinical-significance assessments for this variant to ClinVar after 2014 without evidence for independent evaluation. One laboratory classified the variant as benign. Based on the evidence outlined above, the variant was classified as benign.

GeneDx
Classification: Benign. Last evaluated: 2020-06-08. Review status: criteria provided, single submitter. Criteria: GeneDx Variant Classification Process June 2021. Collection method: clinical testing. Allele origin: germline. Affected: yes.

Breakthrough Genomics
Classification: Benign. Review status: criteria provided, single submitter. Criteria: ACMG Guidelines, 2015. Collection method: not provided. Allele origin: germline. Inheritance: Autosomal recessive inheritance. Affected: yes.

NM_014704.4(CEP104):c.1083G>A (p.Pro361=)

Gene: CEP104 (centrosomal protein 104; minus strand). Cytogenetic location: 1p36.32.
Variant type: single nucleotide variant.
Coding change: c.1083G>A on transcript NM_014704.4 (MANE Select); coding-DNA position 1083, G replaced by A.
Protein change: p.Pro361=; no amino-acid change (proline 361 retained).
Molecular consequence: synonymous variant.
Genome position (GRCh38, 1-based): chr1:3,837,328, C>T on the plus strand (G>A on the coding strand, the complement: CEP104 is on the minus strand). VCF-style: chr1-3837328-C-T. GRCh37 (hg19) VCF-style: chr1-3753892-C-T.
Identifiers: ClinVar variation 1286187 (VCV001286187.13), dbSNP rs61740614, ClinGen allele CA551737.